The following is an entry in ClinVar:

NM_021927.3(GUF1):c.44_45del (p.Leu15fs)

Genes: GUF1 (GTP binding elongation factor GUF1; plus strand), LOC129992541 (ATAC-STARR-seq lymphoblastoid silent region 15397; plus strand). Cytogenetic location: 4p12.
Variant type: Microsatellite.
Coding change: c.44_45del on transcript NM_021927.3 (MANE Select); coding-DNA positions 44 to 45, 2 bases deleted (TC; older notation c.44_45delTC).
Protein change: p.Leu15fs; shifts the reading frame from leucine 15.
Molecular consequence: frameshift variant. On other transcripts: 5 prime UTR variant (2).
Genome position (GRCh38, 1-based): chr4:44,678,666-44,678,667, TC deleted; deleting any 2 consecutive bases within chr4:44,678,663-44,678,667 gives the same sequence; the c. name uses the placement nearest the transcript's 3' end. VCF-style (leftmost placement, unchanged base first): chr4-44678662-GCT-G. GRCh37 (hg19) VCF-style: chr4-44680679-GCT-G.
Other names: c.-927TC[1] (NM_001345867.2); c.44_45del, p.Leu15fs (NM_001345868.2); c.-819TC[1] (NM_001345869.2); short protein forms L15fs.
Identifiers: ClinVar variation 1926191 (VCV001926191.5), dbSNP rs1714575891, ClinGen allele CA1453940460.

ClinVar aggregate classification (germline): Uncertain significance (1 of 4 stars; one submission).

Submission:

Labcorp Genetics (formerly Invitae), Labcorp
Classification: Uncertain significance. Last evaluated: 2022-01-13. Review status: criteria provided, single submitter. Criteria: Invitae Variant Classification Sherloc (09022015). Collection method: clinical testing. Allele origin: germline.
Comment: This sequence change creates a premature translational stop signal (p.Leu15Argfs*44) in the GUF1 gene. It is expected to result in an absent or disrupted protein product. However, the current clinical and genetic evidence is not sufficient to establish whether loss-of-function variants in GUF1 cause disease. This variant is not present in population databases (gnomAD no frequency). This variant has not been reported in the literature in individuals affected with GUF1-related conditions. In summary, the available evidence is currently insufficient to determine the role of this variant in disease. Therefore, it has been classified as a Variant of Uncertain Significance.